The following is an entry in ClinVar:

NM_015991.4(C1QA):c.47C>T (p.Ser16Leu)

Gene: C1QA (complement C1q A chain; plus strand). Cytogenetic location: 1p36.12.
Variant type: single nucleotide variant.
Coding change: c.47C>T on transcript NM_015991.4 (MANE Select); coding-DNA position 47, C replaced by T.
Protein change: p.Ser16Leu; replaces serine 16 with leucine.
Molecular consequence: missense variant.
Genome position (GRCh38, 1-based): chr1:22,637,663, C>T. VCF-style: chr1-22637663-C-T. GRCh37 (hg19) VCF-style: chr1-22964156-C-T.
Other names: c.47C>T, p.Ser16Leu (NM_001347465.2, NM_001347466.2); short protein forms S16L.
Identifiers: ClinVar variation 1497903 (VCV001497903.8), dbSNP rs753525833, ClinGen allele CA677702.

ClinVar aggregate classification (germline): Uncertain significance (1 of 4 stars; one submission).

Allele frequency attached by ClinVar (database versions not stated): gnomAD exomes below 0.00001; ExAC 0.00001; TOPMed 0.00001.

Submission:

Labcorp Genetics (formerly Invitae), Labcorp
Classification: Uncertain significance. Last evaluated: 2020-12-26. Review status: criteria provided, single submitter. Criteria: Invitae Variant Classification Sherloc (09022015). Collection method: clinical testing. Allele origin: germline.
Comment: In summary, the available evidence is currently insufficient to determine the role of this variant in disease. Therefore, it has been classified as a Variant of Uncertain Significance. Algorithms developed to predict the effect of missense changes on protein structure and function (SIFT, PolyPhen-2, Align-GVGD) all suggest that this variant is likely to be tolerated, but these predictions have not been confirmed by published functional studies and their clinical significance is uncertain. This variant has not been reported in the literature in individuals with C1QA-related conditions. The frequency data for this variant in the population databases is considered unreliable, as metrics indicate poor data quality at this position in the ExAC database. This sequence change replaces serine with leucine at codon 16 of the C1QA protein (p.Ser16Leu). The serine residue is weakly conserved and there is a large physicochemical difference between serine and leucine.